The following is an entry in ClinVar:

NM_001111.5(ADAR):c.1846G>A (p.Val616Ile)

Gene: ADAR (adenosine deaminase RNA specific; minus strand). Cytogenetic location: 1q21.3.
Variant type: single nucleotide variant.
Coding change: c.1846G>A on transcript NM_001111.5 (MANE Select); coding-DNA position 1846, G replaced by A.
Protein change: p.Val616Ile; replaces valine 616 with isoleucine.
Molecular consequence: missense variant.
Genome position (GRCh38, 1-based): chr1:154,597,916, C>T on the plus strand (G>A on the coding strand, the complement: ADAR is on the minus strand). VCF-style: chr1-154597916-C-T. GRCh37 (hg19) VCF-style: chr1-154570392-C-T.
Other names: c.1846G>A, p.Val616Ile (LRG_1212t1, NM_015840.4, NM_015841.4); c.961G>A, p.Val321Ile (NM_001025107.3, NM_001193495.2, NM_001365046.1 and 3 more transcripts); c.1873G>A, p.Val625Ile (NM_001365045.1); short protein forms V616I, V321I, V625I.
Identifiers: ClinVar variation 292774 (VCV000292774.18), dbSNP rs570647049, ClinGen allele CA1131444.

ClinVar aggregate classification (germline): Conflicting classifications of pathogenicity. Review status: criteria provided, conflicting classifications (1 of 4 stars). 4 submissions from 4 submitters: Uncertain significance (2); Benign (1). 1 of the submissions does not count toward it. Last evaluated 2025-03-29.

Conditions:
Symmetrical dyschromatosis of extremities (DSH). Also called: RETICULATE ACROPIGMENTATION OF DOHI; SYMMETRIC DYSCHROMATOSIS OF THE EXTREMITIES; Dyschromatosis symmetrica hereditaria; DYSCHROMATOSIS SYMMETRICA HEREDITARIA 1. Identifiers: Orphanet 41, MedGen C0406775, MONDO:0007483, OMIM 127400.
Aicardi-Goutieres syndrome 6 (AGS6). Identifiers: Orphanet 51, MedGen C3539013, MONDO:0014007, OMIM 615010.

Allele frequency attached by ClinVar (database versions not stated): TOPMed 0.00002; 1000 Genomes Project 0.00020; 1000 Genomes Project 30x 0.00016; gnomAD 0.00001 and 0.00003; gnomAD exomes 0.00008; ExAC 0.00012.
gnomAD v4.1: 89 of 1,614,034 alleles (0.0055%); highest among the groups gnomAD compares: South Asian, 0.067%; 1 homozygote.

Submissions (4):

Labcorp Genetics (formerly Invitae), Labcorp
Classification: Uncertain significance for Aicardi-Goutieres syndrome 6; Symmetrical dyschromatosis of extremities. Last evaluated: 2025-03-29. Review status: criteria provided, single submitter. Criteria: Invitae Variant Classification Sherloc (09022015). Collection method: clinical testing. Allele origin: germline.
Comment: This sequence change replaces valine, which is neutral and non-polar, with isoleucine, which is neutral and non-polar, at codon 616 of the ADAR protein (p.Val616Ile). This variant is present in population databases (rs570647049, gnomAD 0.06%). This variant has not been reported in the literature in individuals affected with ADAR-related conditions. ClinVar contains an entry for this variant (Variation ID: 292774). Invitae Evidence Modeling of protein sequence and biophysical properties (such as structural, functional, and spatial information, amino acid conservation, physicochemical variation, residue mobility, and thermodynamic stability) indicates that this missense variant is not expected to disrupt ADAR protein function with a negative predictive value of 80%. In summary, the available evidence is currently insufficient to determine the role of this variant in disease. Therefore, it has been classified as a Variant of Uncertain Significance.

Revvity Omics, Revvity
Classification: Uncertain significance. Last evaluated: 2021-02-18. Review status: criteria provided, single submitter. Criteria: ACMG Guidelines, 2015. Collection method: clinical testing. Allele origin: germline.

Illumina Laboratory Services, Illumina
Classification: Benign for Symmetrical dyschromatosis of extremities. Last evaluated: 2018-01-12. Review status: criteria provided, single submitter. Criteria: ICSL Variant Classification Criteria 13 December 2019. Collection method: clinical testing. Allele origin: germline.
Comment: This variant was observed in the ICSL laboratory as part of a predisposition screen in an ostensibly healthy population. It had not been previously curated by ICSL or reported in the Human Gene Mutation Database (HGMD: prior to June 1st, 2018), and was therefore a candidate for classification through an automated scoring system. Utilizing variant allele frequency, disease prevalence and penetrance estimates, and inheritance mode, an automated score was calculated to assess if this variant is too frequent to cause the disease. Based on the score and internal cut-off values, a variant classified as benign is not then subjected to further curation. The score for this variant resulted in a classification of benign for this disease.

Genetics and Genomic Medicine Centre, NeuroGen Healthcare, NeuroGen Healthcare
Classification: Uncertain significance. Last evaluated: 2021-12-01. Review status: no assertion criteria provided. Collection method: clinical testing. Allele origin: unknown. Affected: yes. Not counted in ClinVar's aggregate classification.